The following is an entry in ClinVar:

ClinVar aggregate classification (germline): Uncertain significance. Review status: criteria provided, multiple submitters, no conflicts (2 of 4 stars). 2 submissions from 2 submitters: Uncertain significance (2). Last evaluated 2025-02-27.

Conditions:
Inborn genetic diseases. Identifiers: MedGen C0950123, MeSH D030342.

Allele frequency attached by ClinVar (database versions not stated): ExAC 0.00002; ESP Exome Variant Server 0.00008.
gnomAD v4.1: 8 of 1,614,060 alleles (0.0005%); highest among the groups gnomAD compares: Non-Finnish European, 0.00068%; no homozygotes.

Submissions (2):

Labcorp Genetics (formerly Invitae), Labcorp
Classification: Uncertain significance. Last evaluated: 2025-02-27. Review status: criteria provided, single submitter. Criteria: Invitae Variant Classification Sherloc (09022015). Collection method: clinical testing. Allele origin: germline.
Comment: This sequence change replaces glutamic acid, which is acidic and polar, with glutamine, which is neutral and polar, at codon 659 of the KMT2A protein (p.Glu659Gln). This variant is present in population databases (rs374545538, gnomAD 0.002%). This variant has not been reported in the literature in individuals affected with KMT2A-related conditions. ClinVar contains an entry for this variant (Variation ID: 2139488). Invitae Evidence Modeling of protein sequence and biophysical properties (such as structural, functional, and spatial information, amino acid conservation, physicochemical variation, residue mobility, and thermodynamic stability) has been performed for this missense variant. However, the output from this modeling did not meet the statistical confidence thresholds required to predict the impact of this variant on KMT2A protein function. In summary, the available evidence is currently insufficient to determine the role of this variant in disease. Therefore, it has been classified as a Variant of Uncertain Significance.

Ambry Genetics
Classification: Uncertain significance for Inborn genetic diseases. Last evaluated: 2023-09-20. Review status: criteria provided, single submitter. Criteria: Ambry Variant Classification Scheme 2023. Collection method: clinical testing. Allele origin: germline.

NM_001197104.2(KMT2A):c.1975G>C (p.Glu659Gln)

Gene: KMT2A (lysine methyltransferase 2A; plus strand). Cytogenetic location: 11q23.3.
Variant type: single nucleotide variant.
Coding change: c.1975G>C on transcript NM_001197104.2 (MANE Select); coding-DNA position 1975, G replaced by C.
Protein change: p.Glu659Gln; replaces glutamic acid 659 with glutamine.
Molecular consequence: missense variant.
Genome position (GRCh38, 1-based): chr11:118,473,134, G>C. VCF-style: chr11-118473134-G-C. GRCh37 (hg19) VCF-style: chr11-118343849-G-C.
Other names: c.2074G>C, p.Glu692Gln (NM_001412597.1); c.1975G>C, p.Glu659Gln (NM_005933.4); short protein forms E692Q, E659Q.
Identifiers: ClinVar variation 2139488 (VCV002139488.5), dbSNP rs374545538, ClinGen allele CA6303464.